The following is an entry in ClinVar:

NM_182493.3(MYLK3):c.1093C>T (p.Pro365Ser)

Gene: MYLK3 (myosin light chain kinase 3; minus strand). Cytogenetic location: 16q11.2.
Variant type: single nucleotide variant.
Coding change: c.1093C>T on transcript NM_182493.3 (MANE Select); coding-DNA position 1093, C replaced by T.
Protein change: p.Pro365Ser; replaces proline 365 with serine.
Molecular consequence: missense variant.
Genome position (GRCh38, 1-based): chr16:46,732,577, G>A on the plus strand (C>T on the coding strand, the complement: MYLK3 is on the minus strand). VCF-style: chr16-46732577-G-A. GRCh37 (hg19) VCF-style: chr16-46766489-G-A.
Other names: c.70C>T, p.Pro24Ser (NM_001308301.1); short protein forms P365S, P24S.
Identifiers: ClinVar variation 2815885 (VCV002815885.3), dbSNP rs1212890266, ClinGen allele CA395792969.
Genomic context (GRCh38, chr16:46,732,577, plus strand): 5'-GGGCTTGGAGGCAGCGCCCGGTCCCAGGTGGGCCCTGCTTGCCTGGCTGGGCAGCTGCTG[G>A]AGCCTCTGTGGTGAGGGTGGGTCCAAGGCTGCCCCTGCCTGTCATCAGCATCTCCCCAGG-3'
Protein context (NP_872299.2, residues 355-375): SLGPTLTTEA[Pro365Ser]AAAQPGKQGP

ClinVar aggregate classification (germline): Uncertain significance (1 of 4 stars; one submission).

gnomAD v4.1: 2 of 1,598,926 alleles (0.00013%); highest among the groups gnomAD compares: African/African-American, 0.0027%; no homozygotes.

Submission:

Labcorp Genetics (formerly Invitae), Labcorp
Classification: Uncertain significance. Last evaluated: 2023-10-04. Review status: criteria provided, single submitter. Criteria: Invitae Variant Classification Sherloc (09022015). Collection method: clinical testing. Allele origin: germline.
Comment: This sequence change replaces proline, which is neutral and non-polar, with serine, which is neutral and polar, at codon 365 of the MYLK3 protein (p.Pro365Ser). This variant is present in population databases (no rsID available, gnomAD 0.01%). This variant has not been reported in the literature in individuals affected with MYLK3-related conditions. An algorithm developed to predict the effect of missense changes on protein structure and function (PolyPhen-2) suggests that this variant is likely to be tolerated. In summary, the available evidence is currently insufficient to determine the role of this variant in disease. Therefore, it has been classified as a Variant of Uncertain Significance.